The following is an entry in ClinVar:

NM_001012339.3(DNAJC21):c.657G>A (p.Ala219=)

Gene: DNAJC21 (DnaJ heat shock protein family (Hsp40) member C21; plus strand). Cytogenetic location: 5p13.2.
Variant type: single nucleotide variant.
Coding change: c.657G>A on transcript NM_001012339.3 (MANE Select); coding-DNA position 657, G replaced by A.
Protein change: p.Ala219=; no amino-acid change (alanine 219 retained).
Molecular consequence: synonymous variant.
Genome position (GRCh38, 1-based): chr5:34,937,544, G>A. VCF-style: chr5-34937544-G-A. GRCh37 (hg19) VCF-style: chr5-34937649-G-A.
Other names: p.Ala219=; c.657G>A, p.Ala219= (NM_001348420.2, NM_194283.4).
Identifiers: ClinVar variation 714249 (VCV000714249.21), dbSNP rs77480286, ClinGen allele CA3228513.
Genomic context (GRCh38, chr5:34,937,544, plus strand): 5'-GAATGAGCTTGTCCGTCAGCTGGTAGCTTTCATTCGTAAAAGAGATAAAAGAGTGCAGGC[G>A]CATCGAAAACTTGTGGAAGAACAGAATGCAGAGAAGGCGAGGAAAGCCGAAGAGATGAGG-3'
Protein context (NP_001012339.2, residues 209-229): FIRKRDKRVQ[Ala219=]HRKLVEEQNA

ClinVar aggregate classification (germline): Benign/Likely benign. Review status: criteria provided, multiple submitters, no conflicts (2 of 4 stars). 8 submissions from 8 submitters: Benign (6); Likely benign (1). 1 of the submissions does not count toward it. Last evaluated 2026-01-22.

Conditions:
DNAJC21-related disorder. Also called: DNAJC21-related condition.
Bone marrow failure syndrome 3 (BMFS3). Identifiers: MedGen C4310744, MONDO:0014887, OMIM 617052.

Allele frequency attached by ClinVar (database versions not stated): ESP Exome Variant Server 0.00538; gnomAD 0.00629 and 0.00666; TOPMed 0.00664; 1000 Genomes Project 0.00819; 1000 Genomes Project 30x 0.00874.
gnomAD v4.1: 2,437 of 1,613,998 alleles (0.15%); highest among the groups gnomAD compares: African/African-American, 2.1%; 17 homozygotes.

Submissions (8):

Women's Health and Genetics/Laboratory Corporation of America, LabCorp
Classification: Benign. Last evaluated: 2026-01-22. Review status: criteria provided, single submitter. Criteria: LabCorp Variant Classification Summary - May 2015. Collection method: clinical testing. Allele origin: germline.

Labcorp Genetics (formerly Invitae), Labcorp
Classification: Benign. Last evaluated: 2026-01-21. Review status: criteria provided, single submitter. Criteria: Invitae Variant Classification Sherloc (09022015). Collection method: clinical testing. Allele origin: germline.

Blueprint Genetics
Classification: Likely benign. Last evaluated: 2024-11-19. Review status: criteria provided, single submitter. Criteria: ACMG Guidelines, 2015. Collection method: clinical testing. Allele origin: germline.

ARUP Laboratories, Molecular Genetics and Genomics, ARUP Laboratories
Classification: Benign for Bone marrow failure syndrome 3. Last evaluated: 2024-10-17. Review status: criteria provided, single submitter. Criteria: ARUP Molecular Germline Variant Investigation Process 2024. Collection method: clinical testing. Allele origin: germline.

Mayo Clinic Laboratories, Mayo Clinic
Classification: Benign. Last evaluated: 2023-07-06. Review status: criteria provided, single submitter. Criteria: ACMG Guidelines, 2015. Collection method: clinical testing. Allele origin: germline. Observed: 7 variant alleles.
Comment: BS1, BS2, BP4, BP7

Genetic Services Laboratory, University of Chicago
Classification: Benign. Last evaluated: 2020-10-26. Review status: criteria provided, single submitter. Criteria: ACMG Guidelines, 2015. Collection method: clinical testing. Allele origin: germline. Affected: no.

Breakthrough Genomics
Classification: Benign. Review status: criteria provided, single submitter. Criteria: ACMG Guidelines, 2015. Collection method: not provided. Allele origin: germline. Inheritance: Autosomal recessive inheritance. Affected: yes.

PreventionGenetics, part of Exact Sciences
Classification: Benign for DNAJC21-related condition. Last evaluated: 2023-06-13. Review status: no assertion criteria provided. Collection method: clinical testing. Allele origin: germline. Not counted in ClinVar's aggregate classification.
Comment: This variant is classified as benign based on ACMG/AMP sequence variant interpretation guidelines (Richards et al. 2015 PMID: 25741868, with internal and published modifications).